The following is an entry in ClinVar:

ClinVar aggregate classification (germline): Uncertain significance. Review status: criteria provided, multiple submitters, no conflicts (2 of 4 stars). 6 submissions from 6 submitters: Uncertain significance (6). Last evaluated 2025-10-18.

Conditions:
Hereditary nonpolyposis colorectal neoplasms. Identifiers: MedGen C0009405, MeSH D003123.
Hereditary cancer-predisposing syndrome. Also called: Neoplastic Syndromes, Hereditary; Hereditary Cancer Syndrome; Hereditary neoplastic syndrome; Tumor predisposition. Identifiers: Orphanet 140162, MedGen C0027672, MeSH D009386, MONDO:0015356.
Endometrial carcinoma. Also called: Endometrial carcinoma, somatic. Identifiers: MedGen C0476089, MONDO:0002447, OMIM 608089, HP:0012114.

Allele frequency attached by ClinVar (database versions not stated): gnomAD exomes 0.00001.
gnomAD v4.1: 6 of 1,614,124 alleles (0.00037%); highest among the groups gnomAD compares: Non-Finnish European, 0.00042%; no homozygotes.

Submissions (6):

Labcorp Genetics (formerly Invitae), Labcorp
Classification: Uncertain significance for Hereditary nonpolyposis colorectal neoplasms. Last evaluated: 2025-10-18. Review status: criteria provided, single submitter. Criteria: Invitae Variant Classification Sherloc (09022015). Collection method: clinical testing. Allele origin: germline.
Comment: This sequence change replaces proline, which is neutral and non-polar, with serine, which is neutral and polar, at codon 408 of the MSH6 protein (p.Pro408Ser). This variant is not present in population databases (gnomAD no frequency). This variant has not been reported in the literature in individuals affected with MSH6-related conditions. ClinVar contains an entry for this variant (Variation ID: 455124). Invitae Evidence Modeling of protein sequence and biophysical properties (such as structural, functional, and spatial information, amino acid conservation, physicochemical variation, residue mobility, and thermodynamic stability) has been performed for this missense variant. However, the output from this modeling did not meet the statistical confidence thresholds required to predict the impact of this variant on MSH6 protein function. In summary, the available evidence is currently insufficient to determine the role of this variant in disease. Therefore, it has been classified as a Variant of Uncertain Significance.

Ambry Genetics
Classification: Uncertain significance for Hereditary cancer-predisposing syndrome. Last evaluated: 2024-07-09. Review status: criteria provided, single submitter. Criteria: Ambry Variant Classification Scheme 2023. Collection method: clinical testing. Allele origin: germline.
Comment: The p.P408S variant (also known as c.1222C>T), located in coding exon 4 of the MSH6 gene, results from a C to T substitution at nucleotide position 1222. The proline at codon 408 is replaced by serine, an amino acid with similar properties. This amino acid position is highly conserved in available vertebrate species. In addition, this alteration is predicted to be deleterious by in silico analysis. Since supporting evidence is limited at this time, the clinical significance of this alteration remains unclear.

Color Diagnostics, LLC DBA Color Health
Classification: Uncertain significance for Hereditary cancer-predisposing syndrome. Last evaluated: 2024-03-06. Review status: criteria provided, single submitter. Criteria: ACMG Guidelines, 2015. Collection method: clinical testing. Allele origin: germline.
Comment: This missense variant replaces proline with serine at codon 408 of the MSH6 protein. Computational prediction suggests that this variant may have deleterious impact on protein structure and function (internally defined REVEL score threshold >= 0.7, PMID: 27666373). To our knowledge, functional studies have not been reported for this variant. This variant has not been reported in individuals affected with hereditary cancer in the literature. This variant has not been identified in the general population by the Genome Aggregation Database (gnomAD). The available evidence is insufficient to determine the role of this variant in disease conclusively. Therefore, this variant is classified as a Variant of Uncertain Significance.

Baylor Genetics
Classification: Uncertain significance for Endometrial carcinoma. Last evaluated: 2023-09-26. Review status: criteria provided, single submitter. Criteria: ACMG Guidelines, 2015. Collection method: clinical testing. Allele origin: unknown.

Quest Diagnostics Nichols Institute San Juan Capistrano
Classification: Uncertain significance. Last evaluated: 2023-06-12. Review status: criteria provided, single submitter. Criteria: Quest Diagnostics criteria. Collection method: clinical testing. Allele origin: unknown.
Comment: This variant has not been reported in the published literature. It also has not been reported in large, multi-ethnic general populations (Genome Aggregation Database). Analysis of this variant using bioinformatics tools for the prediction of the effect of amino acid changes on protein structure and function yielded predictions that this variant is damaging. Based on the available information, we are unable to determine the clinical significance of this variant.

Blueprint Genetics
Classification: Uncertain significance. Last evaluated: 2021-03-16. Review status: criteria provided, single submitter. Criteria: ACMG Guidelines, 2015. Collection method: clinical testing. Allele origin: germline.

NM_000179.3(MSH6):c.1222C>T (p.Pro408Ser)

Gene: MSH6 (mutS homolog 6; plus strand). Cytogenetic location: 2p16.3.
Variant type: single nucleotide variant.
Coding change: c.1222C>T on transcript NM_000179.3 (MANE Select); coding-DNA position 1222, C replaced by T.
Protein change: p.Pro408Ser; replaces proline 408 with serine.
Molecular consequence: missense variant.
Genome position (GRCh38, 1-based): chr2:47,799,205, C>T. VCF-style: chr2-47799205-C-T. GRCh37 (hg19) VCF-style: chr2-48026344-C-T.
Other names: c.832C>T, p.Pro278Ser (NM_001281492.2); c.316C>T, p.Pro106Ser (NM_001281493.2, NM_001281494.2); short protein forms P408S, P106S, P278S.
Identifiers: ClinVar variation 455124 (VCV000455124.22), dbSNP rs1553412644, ClinGen allele CA346743582.